The following is an entry in ClinVar:

ClinVar aggregate classification (germline): Pathogenic (1 of 4 stars; one submission).

Submission:

Athena Diagnostics
Classification: Pathogenic. Last evaluated: 2024-11-08. Review status: criteria provided, single submitter. Criteria: Athena Diagnostics Criteria. Collection method: clinical testing. Allele origin: unknown.
Comment: This duplication is likely inserted in tandem with the original copy (PMID: 25640679) and result in the loss of a functional protein in a gene for which loss of function is associated with disease. Similar duplications of exons 3-11 have been reported primarily in patients with Duchenne muscular dystrophy (DMD), at least one individual with Becker muscular dystrophy (BMD; PMID: 21515508), and in multiple individuals where the type of dystrophinopathy was not specified.

Literature cited by the submitters: PubMed 16030524; PubMed 31705731; PubMed 25640679; PubMed 36361501; PubMed 35501714; PubMed 33101180; PubMed 38850354; PubMed 21515508; PubMed 29973226; PubMed 34149409; PubMed 25972034; PubMed 34327855; PubMed 19367636; PubMed 1483053; PubMed 2316519; PubMed 17439955.

Single allele

Gene: ZNF507 (zinc finger protein 507; plus strand). Cytogenetic location: 19q13.11.
Variant type: Duplication.
Identifiers: ClinVar variation 3571475 (VCV003571475.1).